The following is an entry in ClinVar:

ClinVar aggregate classification (germline): Likely benign. Review status: criteria provided, multiple submitters, no conflicts (2 of 4 stars). 2 submissions from 2 submitters: Likely benign (2). Last evaluated 2017-07-28.

Conditions:
Inborn genetic diseases. Identifiers: MedGen C0950123, MeSH D030342.

gnomAD v4.1: 11 of 1,613,128 alleles (0.00068%); highest among the groups gnomAD compares: Non-Finnish European, 0.00085%; no homozygotes.

Submissions (2):

GeneDx
Classification: Likely benign. Last evaluated: 2017-07-28. Review status: criteria provided, single submitter. Criteria: GeneDx Variant Classification (06012015). Collection method: clinical testing. Allele origin: germline. Affected: yes.
Comment: This variant is considered likely benign or benign based on one or more of the following criteria: it is a conservative change, it occurs at a poorly conserved position in the protein, it is predicted to be benign by multiple in silico algorithms, and/or has population frequency not consistent with disease.

Ambry Genetics
Classification: Likely benign for Inborn genetic diseases. Last evaluated: 2017-03-30. Review status: criteria provided, single submitter. Criteria: Ambry Variant Classification Scheme 2023. Collection method: clinical testing. Allele origin: germline.

NM_000834.5(GRIN2B):c.1704C>A (p.Ile568=)

Gene: GRIN2B (glutamate ionotropic receptor NMDA type subunit 2B; minus strand). Cytogenetic location: 12p13.1.
Variant type: single nucleotide variant.
Coding change: c.1704C>A on transcript NM_000834.5 (MANE Select); coding-DNA position 1704, C replaced by A.
Protein change: p.Ile568=; no amino-acid change (isoleucine 568 retained).
Molecular consequence: synonymous variant.
Genome position (GRCh38, 1-based): chr12:13,611,801, G>T on the plus strand (C>A on the coding strand, the complement: GRIN2B is on the minus strand). VCF-style: chr12-13611801-G-T. GRCh37 (hg19) VCF-style: chr12-13764735-G-T.
Identifiers: ClinVar variation 511123 (VCV000511123.5), dbSNP rs202102041, ClinGen allele CA478771558.